The following is an entry in ClinVar:

NM_005359.6(SMAD4):c.170_171insTTTTTTTTTTTTTTTTTTTTNNNNNNNNNNACAGAGATATAGATCAATGGAACAGAACAGAGCCCTCAGAAATAATGCCGCATATCTACAACTATCTGATCTTTGGATTCTTT (p.Leu57fs)

Gene: SMAD4 (SMAD family member 4; plus strand). Cytogenetic location: 18q21.2.
Variant type: Insertion.
Coding change: c.170_171insTTTTTTTTTTTTTTTTTTTTNNNNNNNNNNACAGAGATATAGATCAATGGAACAGAACAGAGCCCTCAGAAATAATGCCGCATATCTACAACTATCTGATCTTTGGATTCTTT on transcript NM_005359.6 (MANE Select); coding-DNA positions 170 to 171, TTTTTTTTTTTTTTTTTTTTNNNNNNNNNNACAGAGATATAGATCAATGGAACAGAACAGAGCCCTCAGAAATAATGCCGCATATCTACAACTATCTGATCTTTGGATTCTTT inserted.
Protein change: p.Leu57fs; shifts the reading frame from leucine 57.
Molecular consequence: frameshift variant. On other transcripts: non-coding transcript variant (2).
Genome position: GRCh38: chr18:51,047,216-51,047,217. GRCh37 (hg19): chr18:48,573,586-48,573,587.
Other names: c.170_171insTTTTTTTTTTTTTTTTTTTTNNNNNNNNNNACAGAGATATAGATCAATGGAACAGAACAGAGCCCTCAGAAATAATGCCGCATATCTACAACTATCTGATCTTTGGATTCTTT, p.Leu57fs (NM_001407041.1, NM_001407042.1, NM_001407043.1); short protein forms L57fs.
Identifiers: ClinVar variation 4731112 (VCV004731112.1).

ClinVar aggregate classification (germline): Pathogenic (1 of 4 stars; one submission).

Conditions:
Juvenile polyposis syndrome (JPS). Identifiers: Orphanet 2929, MedGen C0345893, MONDO:0017380, OMIM 174900.

Submission:

Labcorp Genetics (formerly Invitae), Labcorp
Classification: Pathogenic for Juvenile polyposis syndrome. Last evaluated: 2025-11-12. Review status: criteria provided, single submitter. Criteria: Invitae Variant Classification Sherloc (09022015). Collection method: clinical testing. Allele origin: germline.
Comment: This sequence change inserts a large fragment of DNA, likely a transposable element, in exon 2 of the SMAD4 gene (c.170_171ins?), causing a frameshift at codon 57 (p.Leu57fs). The exact size and sequence of the insertion cannot be determined by the current assay. However, the insertion is expected to result in an absent or disrupted protein product. This variant is not present in population databases (gnomAD no frequency). This variant has not been reported in the literature in individuals affected with SMAD4-related conditions. Retrotransposon insertions including LINE1 (L1), Alu, and SVA (SINE-VNTR-Alu) have been reported to be disease-causing through disruption of either a coding region or splice site (PMID: 19763152, 20307669, 22406018) and loss-of-function variants in SMAD4 are known to be pathogenic (PMID: 16152648, 16436638, 22810475). For these reasons, this variant has been classified as Pathogenic.

Literature cited by the submitters: PubMed 19763152; PubMed 20307669; PubMed 22406018; PubMed 16152648; PubMed 16436638; PubMed 22810475.